The following is an entry in ClinVar:

ClinVar aggregate classification (germline): Uncertain significance (1 of 4 stars; one submission).

Allele frequency attached by ClinVar (database versions not stated): gnomAD exomes below 0.00001; ExAC 0.00001.
gnomAD v4.1: 5 of 1,581,482 alleles (0.00032%); highest among the groups gnomAD compares: Non-Finnish European, 0.00043%; no homozygotes.

Submission:

Labcorp Genetics (formerly Invitae), Labcorp
Classification: Uncertain significance. Last evaluated: 2022-04-29. Review status: criteria provided, single submitter. Criteria: Invitae Variant Classification Sherloc (09022015). Collection method: clinical testing. Allele origin: germline.
Comment: This sequence change falls in intron 28 of the ATR gene. It does not directly change the encoded amino acid sequence of the ATR protein. This variant is present in population databases (rs765468988, gnomAD 0.002%). This variant has not been reported in the literature in individuals affected with ATR-related conditions. Algorithms developed to predict the effect of sequence changes on RNA splicing suggest that this variant may create or strengthen a splice site. In summary, the available evidence is currently insufficient to determine the role of this variant in disease. Therefore, it has been classified as a Variant of Uncertain Significance.

NM_001184.4(ATR):c.5031+8G>A

Gene: ATR (ATR checkpoint kinase; minus strand). Cytogenetic location: 3q23.
Variant type: single nucleotide variant.
Coding change: c.5031+8G>A on transcript NM_001184.4 (MANE Select); 8 bases into the intron after coding-DNA position 5031, G replaced by A.
Molecular consequence: intron variant.
Genome position (GRCh38, 1-based): chr3:142,507,923, C>T on the plus strand (G>A on the coding strand, the complement: ATR is on the minus strand). VCF-style: chr3-142507923-C-T. GRCh37 (hg19) VCF-style: chr3-142226765-C-T.
Other names: c.4839+8G>A (NM_001354579.2).
Identifiers: ClinVar variation 1927184 (VCV001927184.5), dbSNP rs765468988, ClinGen allele CA2649704.